The following is an entry in ClinVar:

ClinVar aggregate classification (germline): Pathogenic/Likely pathogenic. Review status: criteria provided, multiple submitters, no conflicts (2 of 4 stars). 2 submissions from 2 submitters: Pathogenic (1); Likely pathogenic (1). Last evaluated 2023-09-26.

Conditions:
Sulfite oxidase deficiency due to molybdenum cofactor deficiency type C. Also called: Molybdenum cofactor deficiency, complementation group C; Molybdenum cofactor deficiency C. Identifiers: Orphanet 308400, Orphanet 833, MedGen C1854990, MONDO:0014212, OMIM 615501.

Submissions (2):

Labcorp Genetics (formerly Invitae), Labcorp
Classification: Pathogenic for Sulfite oxidase deficiency due to molybdenum cofactor deficiency type C. Last evaluated: 2023-09-26. Review status: criteria provided, single submitter. Criteria: Invitae Variant Classification Sherloc (09022015). Collection method: clinical testing. Allele origin: germline.
Comment: This sequence change creates a premature translational stop signal (p.Leu193Phefs*10) in the GPHN gene. It is expected to result in an absent or disrupted protein product. Loss-of-function variants in GPHN are known to be pathogenic (PMID: 11095995, 23184456, 23393157, 24561070, 26613940). For these reasons, this variant has been classified as Pathogenic. ClinVar contains an entry for this variant (Variation ID: 1309047). This variant has not been reported in the literature in individuals affected with GPHN-related conditions. This variant is not present in population databases (gnomAD no frequency).

GeneDx
Classification: Likely pathogenic. Last evaluated: 2022-03-11. Review status: criteria provided, single submitter. Criteria: GeneDx Variant Classification Process June 2021. Collection method: clinical testing. Allele origin: germline. Affected: yes.
Comment: Frameshift variant predicted to result in protein truncation or nonsense mediated decay in a gene for which loss-of-function is a known mechanism of disease; Not observed in large population cohorts (gnomAD); Has not been previously published as pathogenic or benign to our knowledge

Literature cited by the submitters: PubMed 11095995 (cited by Labcorp Genetics (formerly Invitae), Labcorp); PubMed 23184456 (cited by Labcorp Genetics (formerly Invitae), Labcorp); PubMed 23393157 (cited by Labcorp Genetics (formerly Invitae), Labcorp); PubMed 24561070 (cited by Labcorp Genetics (formerly Invitae), Labcorp); PubMed 26613940 (cited by Labcorp Genetics (formerly Invitae), Labcorp).

NM_020806.5(GPHN):c.577_578del (p.Leu193fs)

Gene: GPHN (gephyrin; plus strand). Cytogenetic location: 14q23.3.
Variant type: Microsatellite.
Coding change: c.577_578del on transcript NM_020806.5 (MANE Select); coding-DNA positions 577 to 578, 2 bases deleted (CT; older notation c.577_578delCT).
Protein change: p.Leu193fs; shifts the reading frame from leucine 193.
Molecular consequence: frameshift variant.
Genome position (GRCh38, 1-based): chr14:66,922,786-66,922,787, CT deleted; deleting any 2 consecutive bases within chr14:66,922,784-66,922,787 gives the same sequence; the c. name uses the placement nearest the transcript's 3' end. VCF-style (leftmost placement, unchanged base first): chr14-66922783-CCT-C. GRCh37 (hg19) VCF-style: chr14-67389500-CCT-C.
Other names: c.577_578del, p.Leu193fs (NM_001024218.2, NM_001377515.1, NM_001377516.1 and 2 more transcripts); c.616_617del, p.Leu206fs (NM_001377514.1, NM_001377519.1); short protein forms L193fs, L206fs.
Identifiers: ClinVar variation 1309047 (VCV001309047.6), dbSNP rs2153561495, ClinGen allele CA2580613708.